The following is an entry in ClinVar:

NM_145045.5(ODAD3):c.23C>T (p.Ala8Val)

Gene: ODAD3 (outer dynein arm docking complex subunit 3; minus strand). Cytogenetic location: 19p13.2.
Variant type: single nucleotide variant.
Coding change: c.23C>T on transcript NM_145045.5 (MANE Select); coding-DNA position 23, C replaced by T.
Protein change: p.Ala8Val; replaces alanine 8 with valine.
Molecular consequence: missense variant. On other transcripts: intron variant (1).
Genome position (GRCh38, 1-based): chr19:11,434,994, G>A on the plus strand (C>T on the coding strand, the complement: ODAD3 is on the minus strand). VCF-style: chr19-11434994-G-A. GRCh37 (hg19) VCF-style: chr19-11545815-G-A.
Other names: c.23C>T, p.Ala8Val (NM_001302454.2); c.82+696C>T (NM_001302453.1); short protein forms A8V.
Identifiers: ClinVar variation 2140878 (VCV002140878.2), dbSNP rs779474442, ClinGen allele CA305341351.
Genomic context (GRCh38, chr19:11,434,994, plus strand): 5'-TTGACCCTGGAAGAGGGCGTCGAAGCCTGGTCCTGAGGAGGCAGGGCGTTGGCGGAGGCC[G>A]CCCTGCACAGAGGAGATGTCATGATGGGGTTGGGGCTGAAGGCCCCTAGGGGTTAGGGGG-3'
Protein context (NP_659482.3, residues 1-18): MTSPLCR[Ala8Val]ASANALPPQD

ClinVar aggregate classification (germline): Uncertain significance (1 of 4 stars; one submission).

Conditions:
Primary ciliary dyskinesia 30. Also called: CILIARY DYSKINESIA, PRIMARY, 30, WITH OR WITHOUT SITUS INVERSUS. Identifiers: Orphanet 244, MedGen C4015016, MONDO:0014465, OMIM 616037.

Allele frequency attached by ClinVar (database versions not stated): gnomAD 0.00001; gnomAD exomes 0.00001; TOPMed 0.00002.
gnomAD v4.1: 8 of 1,612,048 alleles (0.0005%); highest among the groups gnomAD compares: Admixed American, 0.005%; no homozygotes.

Submission:

Labcorp Genetics (formerly Invitae), Labcorp
Classification: Uncertain significance for Primary ciliary dyskinesia 30. Last evaluated: 2022-06-24. Review status: criteria provided, single submitter. Criteria: Invitae Variant Classification Sherloc (09022015). Collection method: clinical testing. Allele origin: germline.
Comment: In summary, the available evidence is currently insufficient to determine the role of this variant in disease. Therefore, it has been classified as a Variant of Uncertain Significance. Algorithms developed to predict the effect of missense changes on protein structure and function are either unavailable or do not agree on the potential impact of this missense change (SIFT: "Tolerated"; PolyPhen-2: "Possibly Damaging"; Align-GVGD: "Class C0"). This variant has not been reported in the literature in individuals affected with CCDC151-related conditions. The frequency data for this variant in the population databases is considered unreliable, as metrics indicate poor data quality at this position in the gnomAD database. This sequence change replaces alanine, which is neutral and non-polar, with valine, which is neutral and non-polar, at codon 8 of the CCDC151 protein (p.Ala8Val).